The following is an entry in ClinVar:

NM_022124.6(CDH23):c.5749G>A (p.Glu1917Lys)

Gene: CDH23 (cadherin related 23; plus strand). Cytogenetic location: 10q22.1.
Variant type: single nucleotide variant.
Coding change: c.5749G>A on transcript NM_022124.6 (MANE Select); coding-DNA position 5749, G replaced by A.
Protein change: p.Glu1917Lys; replaces glutamic acid 1917 with lysine.
Molecular consequence: missense variant.
Genome position (GRCh38, 1-based): chr10:71,785,667, G>A. VCF-style: chr10-71785667-G-A. GRCh37 (hg19) VCF-style: chr10-73545424-G-A.
Other names: short protein forms E1917K.
Identifiers: ClinVar variation 402248 (VCV000402248.12), dbSNP rs1060499789, ClinGen allele CA16609572.

ClinVar aggregate classification (germline): Pathogenic/Likely pathogenic. Review status: criteria provided, multiple submitters, no conflicts (2 of 4 stars). 7 submissions from 7 submitters: Pathogenic (2); Likely pathogenic (4). 1 of the submissions does not count toward it. Last evaluated 2025-11-12.

Conditions:
CDH23-related disorder. Also called: CDH23-related disorders; CDH23-related condition.
Pituitary adenoma 5, multiple types. Identifiers: MedGen C4539685, MONDO:0054601, OMIM 617540.
Usher syndrome type 1D (USH1D). Also called: USHER SYNDROME, TYPE ID. Identifiers: Orphanet 231169, Orphanet 886, MedGen C1832845, MONDO:0010984, OMIM 601067.
Autosomal recessive nonsyndromic hearing loss 12. Also called: DEAFNESS, AUTOSOMAL RECESSIVE 12. Identifiers: Orphanet 90636, MedGen C1832394, MONDO:0011067, OMIM 601386.
Usher syndrome type 1 (USH1). Also called: RETINITIS PIGMENTOSA AND CONGENITAL DEAFNESS. Identifiers: Orphanet 231169, Orphanet 886, MedGen C1568247, MONDO:0010168, OMIM 276900.

gnomAD v4.1: 17 of 1,607,718 alleles (0.0011%); highest among the groups gnomAD compares: East Asian, 0.0022%; no homozygotes.

Submissions (7):

Labcorp Genetics (formerly Invitae), Labcorp
Classification: Pathogenic. Last evaluated: 2025-11-12. Review status: criteria provided, single submitter. Criteria: Invitae Variant Classification Sherloc (09022015). Collection method: clinical testing. Allele origin: germline.
Comment: This sequence change replaces glutamic acid, which is acidic and polar, with lysine, which is basic and polar, at codon 1917 of the CDH23 protein (p.Glu1917Lys). This variant is not present in population databases (gnomAD no frequency). This missense change has been observed in individual(s) with bilateral deafness and/or clinical features of Usher syndrome (PMID: 29889784, 32747562). It has also been observed to segregate with disease in related individuals. ClinVar contains an entry for this variant (Variation ID: 402248). Invitae Evidence Modeling of protein sequence and biophysical properties (such as structural, functional, and spatial information, amino acid conservation, physicochemical variation, residue mobility, and thermodynamic stability) has been performed for this missense variant. However, the output from this modeling did not meet the statistical confidence thresholds required to predict the impact of this variant on CDH23 protein function. For these reasons, this variant has been classified as Pathogenic.

Natera, Inc.
Classification: Likely pathogenic for Usher syndrome type 1. Last evaluated: 2025-04-10. Review status: criteria provided, single submitter. Criteria: Natera Variant Classification Schema (03/2026). Collection method: clinical testing. Allele origin: germline.
Comment: The c.5749G>A variant in CDH23 is a missense variant predicted to cause substitution of glutamic acid to lysine at amino acid 1917. This variant is rare in the general population with a frequency below the threshold expected for the associated phenotype(s). This variant has been observed in one or more individuals affected with the associated recessive disease, as either homozygous or compound heterozygous with a second variant (PMID: 32747562). Additionally, this variant has been observed to segregate in affected family members (PMID: 32747562). Computational prediction algorithms indicate this variant is likely to affect gene or protein function. Given the available evidence, this variant is classified as Likely Pathogenic.

Fulgent Genetics
Classification: Likely pathogenic for Usher syndrome type 1D; Autosomal recessive nonsyndromic hearing loss 12; Pituitary adenoma 5, multiple types. Last evaluated: 2024-03-28. Review status: criteria provided, single submitter. Criteria: ACMG Guidelines, 2015. Collection method: clinical testing. Allele origin: germline.

Baylor Genetics
Classification: Likely pathogenic for Pituitary adenoma 5, multiple types. Last evaluated: 2024-01-24. Review status: criteria provided, single submitter. Criteria: ACMG Guidelines, 2015. Collection method: clinical testing. Allele origin: unknown.

Blueprint Genetics
Classification: Pathogenic for CDH23-related disorders. Last evaluated: 2022-07-21. Review status: criteria provided, single submitter. Criteria: ACMG Guidelines, 2015. Collection method: clinical testing. Allele origin: germline. Affected: yes. Observed: 2 variant alleles.

King Laboratory, University of Washington
Classification: Likely pathogenic for Autosomal recessive nonsyndromic hearing loss 12. Last evaluated: 2020-08-01. Review status: criteria provided, single submitter. Criteria: Abu Rayyan A et al. (Proc Natl Acad Sci U S A 2020). Collection method: research. Allele origin: germline. Affected: yes.
Comment: CDH23 c.5749G>A, p.E1917K alters a residue of CDH23 in the Usher1D domain that is completely conserved in all sequenced vertebrates. The variant is homozygous in 3 Palestinian individuals with profound pre-lingual hearing loss and retinitis pigmentosa (Abu Rayyan 2020). The variant is absent from 1300 Palestinian controls and from gnomAD v2.1.1.

Hereditary Research Laboratory, Bethlehem University
Classification: Pathogenic for Autosomal recessive nonsyndromic hearing loss 12. Last evaluated: 2016-06-04. Review status: no assertion criteria provided. Collection method: research. Allele origin: germline. Affected: yes. Not counted in ClinVar's aggregate classification.
Comment: HL and (in one branch) RP and epilepsy

Literature cited by the submitters: PubMed 29889784 (cited by Labcorp Genetics (formerly Invitae), Labcorp); PubMed 32747562 (cited by Labcorp Genetics (formerly Invitae), Labcorp and Natera, Inc.).